The following is an entry in ClinVar:

NM_002878.4(RAD51D):c.-48C>A

Genes: RAD51D (RAD51 paralog D; minus strand), RAD51L3-RFFL (RAD51L3-RFFL readthrough; minus strand). Cytogenetic location: 17q12.
Variant type: single nucleotide variant.
Coding change: c.-48C>A on transcript NM_002878.4 (MANE Select); 48 bases upstream of the start codon, C replaced by A.
Molecular consequence: 5 prime UTR variant. On other transcripts: non-coding transcript variant (2).
Genome position (GRCh38, 1-based): chr17:35,119,661, G>T on the plus strand (C>A on the coding strand, the complement: RAD51D is on the minus strand). VCF-style: chr17-35119661-G-T. GRCh37 (hg19) VCF-style: chr17-33446680-G-T.
Other names: c.-48C>A (NM_001142571.2, NM_133629.3).
Identifiers: ClinVar variation 509620 (VCV000509620.1), dbSNP rs759556682, ClinGen allele CA625782605.

ClinVar aggregate classification (germline): Likely benign (1 of 4 stars; one submission).

gnomAD v4.1: 5 of 1,591,760 alleles (0.00031%); highest among the groups gnomAD compares: Non-Finnish European, 0.00043%; no homozygotes.

Submission:

GeneDx
Classification: Likely benign. Last evaluated: 2017-05-15. Review status: criteria provided, single submitter. Criteria: GeneDx Variant Classification (06012015). Collection method: clinical testing. Allele origin: germline. Affected: yes.
Comment: This variant is considered likely benign or benign based on one or more of the following criteria: it is a conservative change, it occurs at a poorly conserved position in the protein, it is predicted to be benign by multiple in silico algorithms, and/or has population frequency not consistent with disease.